The following is an entry in ClinVar:

NM_004260.4(RECQL4):c.1711dup (p.Ala571fs)

Gene: RECQL4 (RecQ like helicase 4; minus strand). Cytogenetic location: 8q24.3.
Variant type: Duplication.
Coding change: c.1711dup on transcript NM_004260.4 (MANE Select); coding-DNA position 1711, one base duplicated (G; older notation c.1711dupG).
Protein change: p.Ala571fs; shifts the reading frame from alanine 571.
Molecular consequence: frameshift variant. On other transcripts: non-coding transcript variant (3), intron variant (3).
Genome position (GRCh38, 1-based): chr8:144,514,356, C duplicated on the plus strand (G on the coding strand, the reverse complement: RECQL4 is on the minus strand); the first of 3 consecutive C bases (chr8:144,514,356-144,514,358); duplicating any one gives the same sequence. VCF-style (leftmost placement, unchanged base first): chr8-144514355-G-GC. GRCh37 (hg19) VCF-style: chr8-145739739-G-GC.
Other names: c.1615dup, p.Ala539fs (NM_001413017.1, NM_001413020.1); c.1711dup, p.Ala571fs (NM_001413018.1, NM_001413019.1, NM_001413036.1); c.640dup, p.Ala214fs (NM_001413021.1, NM_001413022.1, NM_001413023.1 and 6 more transcripts); c.1582dup, p.Ala528fs (NM_001413025.1); c.574dup, p.Ala192fs (NM_001413027.1, NM_001413030.1, NM_001413032.1 and 1 more transcripts); c.1360dup, p.Ala454fs (NM_001413029.1); c.1704+86dup (NM_001413033.1); c.567+86dup (NM_001413031.1); and 4 more; short protein forms A192fs, A561fs, A204fs, A214fs, A539fs, A82fs, A454fs, A528fs.
Identifiers: ClinVar variation 2910634 (VCV002910634.3), dbSNP rs2538041856, ClinGen allele CA2739269074.

ClinVar aggregate classification (germline): Pathogenic (1 of 4 stars; one submission).

Conditions:
Baller-Gerold syndrome (BGS). Also called: CRANIOSYNOSTOSIS WITH RADIAL DEFECTS. Identifiers: Orphanet 1225, MedGen C0265308, MONDO:0009039, OMIM 218600.

Submission:

Labcorp Genetics (formerly Invitae), Labcorp
Classification: Pathogenic for Baller-Gerold syndrome. Last evaluated: 2022-11-06. Review status: criteria provided, single submitter. Criteria: Invitae Variant Classification Sherloc (09022015). Collection method: clinical testing. Allele origin: germline.
Comment: This sequence change creates a premature translational stop signal (p.Ala571Glyfs*12) in the RECQL4 gene. It is expected to result in an absent or disrupted protein product. Loss-of-function variants in RECQL4 are known to be pathogenic (PMID: 12734318, 12952869). This variant is not present in population databases (gnomAD no frequency). For these reasons, this variant has been classified as Pathogenic. This variant has not been reported in the literature in individuals affected with RECQL4-related conditions.

Literature cited by the submitters: PubMed 12734318; PubMed 12952869.